The following is an entry in ClinVar:

NM_198271.5(LMOD3):c.484G>A (p.Asp162Asn)

Gene: LMOD3 (leiomodin 3; minus strand). Cytogenetic location: 3p14.1.
Variant type: single nucleotide variant.
Coding change: c.484G>A on transcript NM_198271.5 (MANE Select); coding-DNA position 484, G replaced by A.
Protein change: p.Asp162Asn; replaces aspartic acid 162 with asparagine.
Molecular consequence: missense variant.
Genome position (GRCh38, 1-based): chr3:69,119,871, C>T on the plus strand (G>A on the coding strand, the complement: LMOD3 is on the minus strand). VCF-style: chr3-69119871-C-T. GRCh37 (hg19) VCF-style: chr3-69169022-C-T.
Other names: c.484G>A, p.Asp162Asn (NM_001304418.3); short protein forms D162N.
Identifiers: ClinVar variation 960320 (VCV000960320.7), dbSNP rs551988491, ClinGen allele CA2488970.

ClinVar aggregate classification (germline): Uncertain significance (1 of 4 stars; one submission).

Conditions:
Nemaline myopathy 10 (NEM10). Identifiers: MedGen C4015360, MONDO:0014513, OMIM 616165.

Allele frequency attached by ClinVar (database versions not stated): gnomAD 0.00001; gnomAD exomes 0.00001; ExAC 0.00003; 1000 Genomes Project 30x 0.00016; 1000 Genomes Project 0.00020.
gnomAD v4.1: 8 of 1,555,330 alleles (0.00051%); highest among the groups gnomAD compares: South Asian, 0.0082%; no homozygotes.

Submission:

Labcorp Genetics (formerly Invitae), Labcorp
Classification: Uncertain significance for Nemaline myopathy 10. Last evaluated: 2024-02-17. Review status: criteria provided, single submitter. Criteria: Invitae Variant Classification Sherloc (09022015). Collection method: clinical testing. Allele origin: germline.
Comment: This sequence change replaces aspartic acid, which is acidic and polar, with asparagine, which is neutral and polar, at codon 162 of the LMOD3 protein (p.Asp162Asn). The frequency data for this variant in the population databases is considered unreliable, as metrics indicate poor data quality at this position in the gnomAD database. This variant has not been reported in the literature in individuals affected with LMOD3-related conditions. ClinVar contains an entry for this variant (Variation ID: 960320). Algorithms developed to predict the effect of missense changes on protein structure and function output the following: SIFT: "Not Available"; PolyPhen-2: "Benign"; Align-GVGD: "Not Available". The asparagine amino acid residue is found in multiple mammalian species, which suggests that this missense change does not adversely affect protein function. In summary, the available evidence is currently insufficient to determine the role of this variant in disease. Therefore, it has been classified as a Variant of Uncertain Significance.